The following is an entry in ClinVar:

ClinVar aggregate classification (germline): Conflicting classifications of pathogenicity. Review status: criteria provided, conflicting classifications (1 of 4 stars). 3 submissions from 3 submitters: Uncertain significance (1); Likely benign (2). Last evaluated 2025-05-02.

Conditions:
Inborn genetic diseases. Identifiers: MedGen C0950123, MeSH D030342.

gnomAD v4.1: 1 of 1,613,786 alleles (0.000062%); highest among the groups gnomAD compares: East Asian, 0.0022%; no homozygotes.

Submissions (3):

Ambry Genetics
Classification: Likely benign for Inborn genetic diseases. Last evaluated: 2025-05-02. Review status: criteria provided, single submitter. Criteria: Ambry Variant Classification Scheme 2023. Collection method: clinical testing. Allele origin: germline.

Labcorp Genetics (formerly Invitae), Labcorp
Classification: Likely benign. Last evaluated: 2024-10-30. Review status: criteria provided, single submitter. Criteria: Invitae Variant Classification Sherloc (09022015). Collection method: clinical testing. Allele origin: germline.

GeneDx
Classification: Uncertain significance. Last evaluated: 2023-06-16. Review status: criteria provided, single submitter. Criteria: GeneDx Variant Classification Process June 2021. Collection method: clinical testing. Allele origin: germline. Affected: yes.
Comment: Not observed at significant frequency in large population cohorts (gnomAD); In silico analysis supports that this variant does not alter splicing; Has not been previously published as pathogenic or benign to our knowledge

NM_016222.4(DDX41):c.972C>T (p.Leu324=)

Gene: DDX41 (DEAD-box helicase 41; minus strand). Cytogenetic location: 5q35.3.
Variant type: single nucleotide variant.
Coding change: c.972C>T on transcript NM_016222.4 (MANE Select); coding-DNA position 972, C replaced by T.
Protein change: p.Leu324=; no amino-acid change (leucine 324 retained).
Molecular consequence: synonymous variant.
Genome position (GRCh38, 1-based): chr5:177,513,811, G>A on the plus strand (C>T on the coding strand, the complement: DDX41 is on the minus strand). VCF-style: chr5-177513811-G-A. GRCh37 (hg19) VCF-style: chr5-176940812-G-A.
Other names: c.594C>T, p.Leu198= (NM_001321732.2, NM_001321830.2).
Identifiers: ClinVar variation 3360099 (VCV003360099.4).
Genomic context (GRCh38, chr5:177,513,811, plus strand): 5'-GTCCAGGGCCAGGTAGCGACAGATGTCTAGGCTGACCATCTTCTTCTGCAGCAAATCCAT[G>A]AGGCGCCCCGGGGTGGCCACCATCATGTGTACACCGCTGGGGACCAAGGAGAGACCCTGA-3'
Protein context (NP_057306.2, residues 314-334): VHMMVATPGR[Leu324=]MDLLQKKMVS